The following is an entry in ClinVar:

NM_001271.4(CHD2):c.2326A>G (p.Arg776Gly)

Gene: CHD2 (chromodomain helicase DNA binding protein 2; plus strand). Cytogenetic location: 15q26.1.
Variant type: single nucleotide variant.
Coding change: c.2326A>G on transcript NM_001271.4 (MANE Select); coding-DNA position 2326, A replaced by G.
Protein change: p.Arg776Gly; replaces arginine 776 with glycine.
Molecular consequence: missense variant.
Genome position (GRCh38, 1-based): chr15:92,971,901, A>G. VCF-style: chr15-92971901-A-G. GRCh37 (hg19) VCF-style: chr15-93515131-A-G.
Other names: short protein forms R776G.
Identifiers: ClinVar variation 3691322 (VCV003691322.2).
Genomic context (GRCh38, chr15:92,971,901, plus strand): 5'-ATGGAACTGAAAAAATGTTGCAACCACTGCTATCTGATTAAACCCCCTGAAGAAAATGAA[A>G]GGGAAAATGGACAGGAGATTCTTCTGGTAGGTAGTTCCTCATAATTACTTTCTCAAAAAA-3'
Protein context (NP_001262.3, residues 766-786): YLIKPPEENE[Arg776Gly]ENGQEILLSL

ClinVar aggregate classification (germline): Uncertain significance (1 of 4 stars; one submission).

Conditions:
Developmental and epileptic encephalopathy 94 (DEE94). Also called: CHD2-Related Neurodevelopmental Disorders; Epileptic encephalopathy, childhood-onset. Identifiers: Orphanet 1942, Orphanet 2382, MedGen C3809278, MONDO:0014150, OMIM 615369.

Submission:

Labcorp Genetics (formerly Invitae), Labcorp
Classification: Uncertain significance for Developmental and epileptic encephalopathy 94. Last evaluated: 2024-02-27. Review status: criteria provided, single submitter. Criteria: Invitae Variant Classification Sherloc (09022015). Collection method: clinical testing. Allele origin: germline.
Comment: This sequence change replaces arginine, which is basic and polar, with glycine, which is neutral and non-polar, at codon 776 of the CHD2 protein (p.Arg776Gly). This variant is not present in population databases (gnomAD no frequency). This variant has not been reported in the literature in individuals affected with CHD2-related conditions. Advanced modeling of protein sequence and biophysical properties (such as structural, functional, and spatial information, amino acid conservation, physicochemical variation, residue mobility, and thermodynamic stability) performed at Invitae indicates that this missense variant is not expected to disrupt CHD2 protein function with a negative predictive value of 95%. In summary, the available evidence is currently insufficient to determine the role of this variant in disease. Therefore, it has been classified as a Variant of Uncertain Significance.